The following is an entry in ClinVar:

NM_013261.5(PPARGC1A):c.1832G>A (p.Arg611His)

Gene: PPARGC1A (PPARG coactivator 1 alpha; minus strand). Cytogenetic location: 4p15.2.
Variant type: single nucleotide variant.
Coding change: c.1832G>A on transcript NM_013261.5 (MANE Select); coding-DNA position 1832, G replaced by A.
Protein change: p.Arg611His; replaces arginine 611 with histidine.
Molecular consequence: missense variant. On other transcripts: non-coding transcript variant (7).
Genome position (GRCh38, 1-based): chr4:23,813,087, C>T on the plus strand (G>A on the coding strand, the complement: PPARGC1A is on the minus strand). VCF-style: chr4-23813087-C-T. GRCh37 (hg19) VCF-style: chr4-23814710-C-T.
Other names: c.1847G>A (NM_001330751.1); c.1847G>A, p.Arg616His (NM_001330751.2, NM_001354825.2, NM_001354827.2); c.1796G>A, p.Arg599His (NM_001330752.2); c.1451G>A, p.Arg484His (NM_001330753.2, NM_001354826.2); short protein forms R599H, R484H, R611H, R616H.
Identifiers: ClinVar variation 790391 (VCV000790391.28), dbSNP rs144103777, ClinGen allele CA2875164.

ClinVar aggregate classification (germline): Benign/Likely benign. Review status: criteria provided, multiple submitters, no conflicts (2 of 4 stars). 3 submissions from 3 submitters: Benign (1); Likely benign (1). 1 of the submissions does not count toward it. Last evaluated 2025-01-01.

Conditions:
PPARGC1A-related disorder. Also called: PPARGC1A-related condition.

Allele frequency attached by ClinVar (database versions not stated): 1000 Genomes Project 30x 0.00047; 1000 Genomes Project 0.00060; TOPMed 0.00135; ESP Exome Variant Server 0.00146; ExAC 0.00229; gnomAD exomes 0.00241; gnomAD 0.00255 and 0.00270.
gnomAD v4.1: 2,814 of 1,613,996 alleles (0.17%); highest among the groups gnomAD compares: Non-Finnish European, 0.16%; 6 homozygotes.

Submissions (3):

CeGaT Center for Human Genetics Tuebingen
Classification: Likely benign. Last evaluated: 2025-01-01. Review status: criteria provided, single submitter. Criteria: CeGaT Center For Human Genetics Tuebingen Variant Classification Criteria Version 2. Collection method: clinical testing. Allele origin: germline. Affected: yes. Observed: 4 variant alleles.
Comment: PPARGC1A: BP4, BS1

Labcorp Genetics (formerly Invitae), Labcorp
Classification: Benign. Last evaluated: 2018-07-21. Review status: criteria provided, single submitter. Criteria: Invitae Variant Classification Sherloc (09022015). Collection method: clinical testing. Allele origin: germline.

PreventionGenetics, part of Exact Sciences
Classification: Benign for PPARGC1A-related condition. Last evaluated: 2019-05-30. Review status: no assertion criteria provided. Collection method: clinical testing. Allele origin: germline. Not counted in ClinVar's aggregate classification.
Comment: This variant is classified as benign based on ACMG/AMP sequence variant interpretation guidelines (Richards et al. 2015 PMID: 25741868, with internal and published modifications).